The following is an entry in ClinVar:

ClinVar aggregate classification (germline): Benign. Review status: criteria provided, multiple submitters, no conflicts (2 of 4 stars). 6 submissions from 6 submitters: Benign (4). 2 of the submissions do not count toward it. Last evaluated 2025-04-09.

Allele frequency attached by ClinVar (database versions not stated): gnomAD 0.04313 and 0.04622; 1000 Genomes Project 0.04692; TOPMed 0.04880; 1000 Genomes Project 30x 0.05059; ESP Exome Variant Server 0.05191.
gnomAD v4.1: 12,898 of 1,613,488 alleles (0.8%); highest among the groups gnomAD compares: African/African-American, 15%; 944 homozygotes.

Submissions (6):

Molecular Diagnostic Laboratory for Inherited Cardiovascular Disease, Montreal Heart Institute
Classification: Benign. Last evaluated: 2025-04-09. Review status: criteria provided, single submitter. Criteria: ACMG Guidelines, 2015. Collection method: clinical testing. Allele origin: germline. Affected: no.

GeneDx
Classification: Benign. Last evaluated: 2014-01-21. Review status: criteria provided, single submitter. Criteria: GeneDx Variant Classification (06012015). Collection method: clinical testing. Allele origin: germline. Affected: yes.
Comment: This variant is considered likely benign or benign based on one or more of the following criteria: it is a conservative change, it occurs at a poorly conserved position in the protein, it is predicted to be benign by multiple in silico algorithms, and/or has population frequency not consistent with disease.

Laboratory for Molecular Medicine, Mass General Brigham Personalized Medicine
Classification: Benign. Last evaluated: 2012-04-11. Review status: criteria provided, single submitter. Criteria: LMM Criteria. Collection method: clinical testing. Allele origin: germline. Observed: 56 variant alleles.
Comment: Tyr5149Tyr in exon 45A of TTN: This variant is not expected to have clinical sig nificance because it does not alter an amino acid residue and has been identifie d in 15.4% (574/3738) of African American chromosomes from a broad population by the NHLBI Exome Sequencing Project (dbSNP rs7 2648911).

Breakthrough Genomics
Classification: Benign. Review status: criteria provided, single submitter. Criteria: ACMG Guidelines, 2015. Collection method: not provided. Allele origin: germline. Inheritance: Autosomal recessive inheritance. Affected: yes.

Clinical Genetics, Academic Medical Center
Classification: Benign. Review status: no assertion criteria provided. Collection method: clinical testing. Allele origin: germline. Affected: yes. Study: VKGL Data-share Consensus. Not counted in ClinVar's aggregate classification.

Joint Genome Diagnostic Labs from Nijmegen and Maastricht, Radboudumc and MUMC+
Classification: Benign. Review status: no assertion criteria provided. Collection method: clinical testing. Allele origin: germline. Affected: yes. Study: VKGL Data-share Consensus. Not counted in ClinVar's aggregate classification.

NM_133379.5(TTN):c.15447C>T (p.Tyr5149=)

Gene: TTN (titin; minus strand). Cytogenetic location: 2q31.2.
Variant type: single nucleotide variant.
Coding change: c.15447C>T on transcript NM_133379.5; coding-DNA position 15447, C replaced by T.
Protein change: p.Tyr5149=; no amino-acid change (tyrosine 5149 retained).
Molecular consequence: synonymous variant. On other transcripts: intron variant (6).
Genome position (GRCh38, 1-based): chr2:178,746,953, G>A on the plus strand (C>T on the coding strand, the complement: TTN is on the minus strand). VCF-style: chr2-178746953-G-A. GRCh37 (hg19) VCF-style: chr2-179611680-G-A.
Other names: p.Y5149Y:TAC>TAT; c.10361-5032C>T (NM_001256850.1); c.10223-5032C>T (NM_003319.4); c.10799-5032C>T (NM_133437.4); c.10598-5032C>T (NM_133432.3); c.10360+6171C>T (NM_133378.4); c.11312-5032C>T (NM_001267550.2); c.15447C>T (NM_133379.4).
Identifiers: ClinVar variation 47787 (VCV000047787.11), dbSNP rs72648911, ClinGen allele CA284494.
Genomic context (GRCh38, chr2:178,746,953, plus strand): 5'-TGTACCAAATGAATCGGAACGCCATATTTCATAAGCTGAACCCCTCTCTTCTGTAGGTGT[G>A]TAGAAATGCTCATTTGGTGTACCGTCTTCCCTTTCTATTTTTGATGGATATGTTTTAAAA-3'